The following is an entry in ClinVar:

NC_000006.11:g.(?_158591536)_(158613189_?)dup

Gene: GTF2H5 (general transcription factor IIH subunit 5; plus strand). Cytogenetic location: 6q25.3.
Variant type: Duplication.
Identifiers: ClinVar variation 1423867 (VCV001423867.4).

ClinVar aggregate classification (germline): Uncertain significance (1 of 4 stars; one submission).

Submission:

Labcorp Genetics (formerly Invitae), Labcorp
Classification: Uncertain significance. Last evaluated: 2022-03-11. Review status: criteria provided, single submitter. Criteria: Invitae Variant Classification Sherloc (09022015). Collection method: clinical testing. Allele origin: germline.
Comment: A copy number gain of the genomic region encompassing the full coding sequence of the GTF2H5 gene has been identified. The boundaries of this event are unknown as they extend beyond the assayed region for this gene and therefore may encompass additional genes. As the precise location of this event is unknown, it may be in tandem or it may be located elsewhere in the genome. This variant has not been reported in the literature in individuals affected with GTF2H5-related conditions. In summary, the available evidence is currently insufficient to determine the role of this variant in disease. Therefore, it has been classified as a Variant of Uncertain Significance.